The following is an entry in ClinVar:

ClinVar aggregate classification (germline): Pathogenic (1 of 4 stars; one submission).

Allele frequency attached by ClinVar (database versions not stated): ExAC 0.00001.

Submission:

Labcorp Genetics (formerly Invitae), Labcorp
Classification: Pathogenic. Last evaluated: 2023-10-30. Review status: criteria provided, single submitter. Criteria: Invitae Variant Classification Sherloc (09022015). Collection method: clinical testing. Allele origin: germline.
Comment: This sequence change creates a premature translational stop signal (p.Leu767Glnfs*12) in the OTOF gene. It is expected to result in an absent or disrupted protein product. Loss-of-function variants in OTOF are known to be pathogenic (PMID: 18381613, 19250381, 22575033). This variant is not present in population databases (gnomAD no frequency). This variant has not been reported in the literature in individuals affected with OTOF-related conditions. For these reasons, this variant has been classified as Pathogenic.

Literature cited by the submitters: PubMed 18381613; PubMed 19250381; PubMed 22575033.

NM_194248.3(OTOF):c.2300_2301del (p.Leu767fs)

Genes: OTOF (otoferlin; minus strand), LOC129933334 (ATAC-STARR-seq lymphoblastoid active region 15473; plus strand). Cytogenetic location: 2p23.3.
Variant type: Deletion.
Coding change: c.2300_2301del on transcript NM_194248.3 (MANE Select); coding-DNA positions 2300 to 2301, 2 bases deleted (TG; older notation c.2300_2301delTG).
Protein change: p.Leu767fs; shifts the reading frame from leucine 767.
Molecular consequence: frameshift variant.
Genome position (GRCh38, 1-based): chr2:26,477,663-26,477,664, CA deleted on the plus strand (TG on the coding strand, the reverse complement: OTOF is on the minus strand). VCF-style (leftmost placement, unchanged base first): chr2-26477662-TCA-T. GRCh37 (hg19) VCF-style: chr2-26700530-TCA-T.
Other names: c.2300_2301del, p.Leu767fs (NM_001287489.2); c.59_60del, p.Leu20fs (NM_004802.4, NM_194323.3); c.230_231del, p.Leu77fs (NM_194322.3); short protein forms L20fs, L767fs, L77fs.
Identifiers: ClinVar variation 2772958 (VCV002772958.3), dbSNP rs750187920, ClinGen allele CA1563974.